The following is an entry in ClinVar:

NM_000535.7(PMS2):c.1090G>A (p.Asp364Asn)

Gene: PMS2 (PMS1 homolog 2, mismatch repair system component; minus strand). Cytogenetic location: 7p22.1.
Variant type: single nucleotide variant.
Coding change: c.1090G>A on transcript NM_000535.7 (MANE Select); coding-DNA position 1090, G replaced by A.
Protein change: p.Asp364Asn; replaces aspartic acid 364 with asparagine.
Molecular consequence: missense variant. On other transcripts: non-coding transcript variant (1), intron variant (2).
Genome position (GRCh38, 1-based): chr7:5,989,854, C>T on the plus strand (G>A on the coding strand, the complement: PMS2 is on the minus strand). VCF-style: chr7-5989854-C-T. GRCh37 (hg19) VCF-style: chr7-6029485-C-T.
Other names: c.685G>A, p.Asp229Asn (NM_001322003.2, NM_001322004.2, NM_001322005.2 and 1 more transcripts); c.772G>A, p.Asp258Asn (NM_001322007.2, NM_001322008.2); c.157G>A, p.Asp53Asn (NM_001322011.2, NM_001322012.2); c.517G>A, p.Asp173Asn (NM_001322013.2); c.1090G>A, p.Asp364Asn (NM_001322014.2); c.781G>A, p.Asp261Asn (NM_001322015.2); c.583+2119G>A (NM_001322010.2); c.988+2119G>A (NM_001322006.2); short protein forms D173N, D229N, D258N, D261N, D364N, D53N.
Identifiers: ClinVar variation 1171219 (VCV001171219.4), dbSNP rs2128747657, ClinGen allele CA366742831.

ClinVar aggregate classification (germline): Uncertain significance. Review status: criteria provided, multiple submitters, no conflicts (2 of 4 stars). 2 submissions from 2 submitters: Uncertain significance (2). Last evaluated 2022-04-29.

Conditions:
Hereditary cancer-predisposing syndrome. Also called: Tumor predisposition; Hereditary neoplastic syndrome; Hereditary Cancer Syndrome; Neoplastic Syndromes, Hereditary. Identifiers: Orphanet 140162, MedGen C0027672, MeSH D009386, MONDO:0015356.

Submissions (2):

Ambry Genetics
Classification: Uncertain significance for Hereditary cancer-predisposing syndrome. Last evaluated: 2022-04-29. Review status: criteria provided, single submitter. Criteria: Ambry Variant Classification Scheme 2023. Collection method: clinical testing. Allele origin: germline.
Comment: The p.D364N variant (also known as c.1090G>A), located in coding exon 10 of the PMS2 gene, results from a G to A substitution at nucleotide position 1090. The aspartic acid at codon 364 is replaced by asparagine, an amino acid with highly similar properties. This amino acid position is not well conserved in available vertebrate species. In addition, the in silico prediction for this alteration is inconclusive. Since supporting evidence is limited at this time, the clinical significance of this alteration remains unclear.

Color Diagnostics, LLC DBA Color Health
Classification: Uncertain significance for Hereditary cancer-predisposing syndrome. Last evaluated: 2020-12-08. Review status: criteria provided, single submitter. Criteria: ACMG Guidelines, 2015. Collection method: clinical testing. Allele origin: germline.
Comment: This missense variant replaces aspartic acid with asparagine at codon 364 of the PMS2 protein. Computational prediction suggests that this variant may not impact protein structure and function (internally defined REVEL score threshold <= 0.5, PMID: 27666373). To our knowledge, functional studies have not been reported for this variant. This variant has not been reported in individuals affected with hereditary cancer in the literature. This variant has not been identified in the general population by the Genome Aggregation Database (gnomAD). The available evidence is insufficient to determine the role of this variant in disease conclusively. Therefore, this variant is classified as a Variant of Uncertain Significance.